The following is an entry in ClinVar:

NM_144596.4(TTC8):c.625-5C>T

Gene: TTC8 (tetratricopeptide repeat domain 8; plus strand). Cytogenetic location: 14q31.3.
Variant type: single nucleotide variant.
Coding change: c.625-5C>T on transcript NM_144596.4 (MANE Select); 5 bases into the intron before coding-DNA position 625, C replaced by T.
Molecular consequence: intron variant.
Genome position (GRCh38, 1-based): chr14:88,852,966, C>T. VCF-style: chr14-88852966-C-T. GRCh37 (hg19) VCF-style: chr14-89319310-C-T.
Other names: c.31-5C>T (NM_001288782.1); c.673-5C>T (NM_001288781.1); c.595-5C>T (NM_198309.3, NM_001366535.2); c.-93-5C>T (NM_001288783.1); c.505-5C>T (NM_198310.3, NM_001366536.2).
Identifiers: ClinVar variation 100608 (VCV000100608.46), dbSNP rs137853922, ClinGen allele CA331786.
Genomic context (GRCh38, chr14:88,852,966, plus strand): 5'-TTTATTTTCCTGACTGCTTATTGTTAGAAAAGAAAATACTAATCTAAAATGAATTGTTTT[C>T]AAAGGCTTTGGATCTGGCTGCCCTCTCCACAGAACATTCTCAGTACAAGGACTGGTGGTG-3'

ClinVar aggregate classification (germline): Conflicting classifications of pathogenicity. Review status: criteria provided, conflicting classifications (1 of 4 stars). 11 submissions from 10 submitters: Uncertain significance (2); Benign (3); Likely benign (1). 5 of the submissions do not count toward it. Last evaluated 2026-09-01.

Conditions:
Retinitis pigmentosa (RP). Identifiers: Orphanet 791, MedGen C0035334, MeSH D012174, MONDO:0019200, OMIM 268000. Inheritance: Autosomal dominant, autosomal recessive and X linked inheritance.
Bardet-Biedl syndrome (BBS). Identifiers: Orphanet 110, MedGen C0752166, MONDO:0015229.
Bardet-Biedl syndrome 8 (BBS8). Identifiers: Orphanet 110, MedGen C1859566, MONDO:0014436, OMIM 615985.

Allele frequency attached by ClinVar (database versions not stated): 1000 Genomes Project 30x 0.00359; 1000 Genomes Project 0.00379; gnomAD 0.00771 and 0.00807; TOPMed 0.00848; gnomAD exomes 0.00870 and 0.01236; ExAC 0.00881; ESP Exome Variant Server 0.01023.
gnomAD v4.1: 19,223 of 1,611,916 alleles (1.2%); highest among the groups gnomAD compares: Middle Eastern, 1.7%; 145 homozygotes.

Submissions (11):

CeGaT Center for Human Genetics Tuebingen
Classification: Benign. Last evaluated: 2026-09-01. Review status: criteria provided, single submitter. Criteria: CeGaT Center For Human Genetics Tuebingen Variant Classification Criteria Version 2. Collection method: clinical testing. Allele origin: germline. Affected: yes. Observed: 14 variant alleles.
Comment: TTC8: BP4, BS1, BS2

Labcorp Genetics (formerly Invitae), Labcorp
Classification: Benign for Bardet-Biedl syndrome. Last evaluated: 2026-02-04. Review status: criteria provided, single submitter. Criteria: Invitae Variant Classification Sherloc (09022015). Collection method: clinical testing. Allele origin: germline.

Illumina Laboratory Services, Illumina
Classification: Uncertain significance for Retinitis pigmentosa. Last evaluated: 2018-01-12. Review status: criteria provided, single submitter. Criteria: ICSL Variant Classification Criteria 13 December 2019. Collection method: clinical testing. Allele origin: germline.

Illumina Laboratory Services, Illumina
Classification: Likely benign for Bardet-Biedl syndrome 8. Last evaluated: 2018-01-12. Review status: criteria provided, single submitter. Criteria: ICSL Variant Classification Criteria 13 December 2019. Collection method: clinical testing. Allele origin: germline.
Comment: This variant was observed in the ICSL laboratory as part of a predisposition screen in an ostensibly healthy population. It had not been previously curated by ICSL or reported in the Human Gene Mutation Database (HGMD: prior to June 1st, 2018), and was therefore a candidate for classification through an automated scoring system. Utilizing variant allele frequency, disease prevalence and penetrance estimates, and inheritance mode, an automated score was calculated to assess if this variant is too frequent to cause the disease. Based on the score and internal cut-off values, a variant classified as likely benign is not then subjected to further curation. The score for this variant resulted in a classification of likely benign for this disease.

Molecular Endocrinology Laboratory, Christian Medical College
Classification: Uncertain significance for Bardet-Biedl syndrome 8. Review status: criteria provided, single submitter. Criteria: ACMG Guidelines, 2015. Collection method: clinical testing. Allele origin: germline. Affected: yes.

PreventionGenetics, part of Exact Sciences
Classification: Benign. Review status: criteria provided, single submitter. Criteria: ACMG Guidelines, 2015. Collection method: clinical testing. Allele origin: germline.

Department of Clinical Genetics, Copenhagen University Hospital, Rigshospitalet
Classification: Uncertain significance for Retinitis pigmentosa. Last evaluated: 2018-04-01. Review status: no assertion criteria provided. Collection method: research. Allele origin: unknown. Affected: yes. Study: VeluxRD. Not counted in ClinVar's aggregate classification.

Clinical Genetics DNA and cytogenetics Diagnostics Lab, Erasmus MC, Erasmus Medical Center
Classification: Benign. Review status: no assertion criteria provided. Collection method: clinical testing. Allele origin: germline. Affected: yes. Study: VKGL Data-share Consensus. Not counted in ClinVar's aggregate classification.

Genome Diagnostics Laboratory, Amsterdam University Medical Center
Classification: Benign. Review status: no assertion criteria provided. Collection method: clinical testing. Allele origin: germline. Affected: yes. Study: VKGL Data-share Consensus. Not counted in ClinVar's aggregate classification.

Genome Diagnostics Laboratory, University Medical Center Utrecht
Classification: Benign. Review status: no assertion criteria provided. Collection method: clinical testing. Allele origin: germline. Affected: yes. Study: VKGL Data-share Consensus. Not counted in ClinVar's aggregate classification.

NEI Ophthalmic Genomics Laboratory, National Institutes of Health
No classification provided. Review status: no classification provided. Collection method: not provided. Allele origin: not provided. Not counted in ClinVar's aggregate classification.

Literature cited by the submitters: PubMed 30718709 (cited by Department of Clinical Genetics, Copenhagen University Hospital, Rigshospitalet).